The following is an entry in ClinVar:

NM_001142864.4(PIEZO1):c.6705C>T (p.Phe2235=)

Gene: PIEZO1 (piezo type mechanosensitive ion channel component 1 (Er blood group); minus strand). Cytogenetic location: 16q24.3.
Variant type: single nucleotide variant.
Coding change: c.6705C>T on transcript NM_001142864.4 (MANE Select); coding-DNA position 6705, C replaced by T.
Protein change: p.Phe2235=; no amino-acid change (phenylalanine 2235 retained).
Molecular consequence: synonymous variant.
Genome position (GRCh38, 1-based): chr16:88,716,854, G>A on the plus strand (C>T on the coding strand, the complement: PIEZO1 is on the minus strand). VCF-style: chr16-88716854-G-A. GRCh37 (hg19) VCF-style: chr16-88783262-G-A.
Other names: p.Phe2235=; c.6705C>T (NM_001142864.3).
Identifiers: ClinVar variation 811344 (VCV000811344.14), dbSNP rs747798306, ClinGen allele CA8231509.

ClinVar aggregate classification (germline): Benign/Likely benign. Review status: criteria provided, multiple submitters, no conflicts (2 of 4 stars). 4 submissions from 4 submitters: Benign (1); Likely benign (2). 1 of the submissions does not count toward it. Last evaluated 2025-10-05.

Conditions:
PIEZO1-related disorder. Also called: PIEZO1-related condition; PIEZO1-Related Disorders.

Allele frequency attached by ClinVar (database versions not stated): gnomAD 0.00010 and 0.00009; TOPMed 0.00015; gnomAD exomes 0.00009; ExAC 0.00026.
gnomAD v4.1: 175 of 1,550,042 alleles (0.011%); highest among the groups gnomAD compares: Non-Finnish European, 0.014%; no homozygotes.

Submissions (4):

Labcorp Genetics (formerly Invitae), Labcorp
Classification: Benign. Last evaluated: 2025-10-05. Review status: criteria provided, single submitter. Criteria: Invitae Variant Classification Sherloc (09022015). Collection method: clinical testing. Allele origin: germline.

Mayo Clinic Laboratories, Mayo Clinic
Classification: Likely benign. Last evaluated: 2025-03-04. Review status: criteria provided, single submitter. Criteria: ACMG Guidelines, 2015. Collection method: clinical testing. Allele origin: germline. Observed: 1 variant allele.
Comment: BP4, BP7, PM2_supporting

ARUP Laboratories, Molecular Genetics and Genomics, ARUP Laboratories
Classification: Likely benign. Last evaluated: 2019-04-03. Review status: criteria provided, single submitter. Criteria: ARUP Molecular Germline Variant Investigation Process. Collection method: clinical testing. Allele origin: germline.

PreventionGenetics, part of Exact Sciences
Classification: Likely benign for PIEZO1-related condition. Last evaluated: 2020-12-26. Review status: no assertion criteria provided. Collection method: clinical testing. Allele origin: germline. Not counted in ClinVar's aggregate classification.
Comment: This variant is classified as likely benign based on ACMG/AMP sequence variant interpretation guidelines (Richards et al. 2015 PMID: 25741868, with internal and published modifications).